The following is an entry in ClinVar:

ClinVar aggregate classification (germline): Likely pathogenic (1 of 4 stars; one submission).

Allele frequency attached by ClinVar (database versions not stated): ExAC 0.00001; gnomAD exomes 0.00001; TOPMed 0.00001.

Submission:

Labcorp Genetics (formerly Invitae), Labcorp
Classification: Likely pathogenic. Last evaluated: 2024-02-06. Review status: criteria provided, single submitter. Criteria: Invitae Variant Classification Sherloc (09022015). Collection method: clinical testing. Allele origin: germline.
Comment: This sequence change replaces aspartic acid, which is acidic and polar, with asparagine, which is neutral and polar, at codon 310 of the NEU1 protein (p.Asp310Asn). This variant is present in population databases (rs759646819, gnomAD 0.003%). This missense change has been observed in individual(s) with sialidosis type 1 (PMID: 29455223, 30635863). In at least one individual the data is consistent with being in trans (on the opposite chromosome) from a pathogenic variant. Advanced modeling of protein sequence and biophysical properties (such as structural, functional, and spatial information, amino acid conservation, physicochemical variation, residue mobility, and thermodynamic stability) performed at Invitae indicates that this missense variant is not expected to disrupt NEU1 protein function with a negative predictive value of 80%. In summary, the currently available evidence indicates that the variant is pathogenic, but additional data are needed to prove that conclusively. Therefore, this variant has been classified as Likely Pathogenic.

Literature cited by the submitters: PubMed 29455223; PubMed 30635863.

NM_000434.4(NEU1):c.928G>A (p.Asp310Asn)

Gene: NEU1 (neuraminidase 1; minus strand). Cytogenetic location: 6p21.33.
Variant type: single nucleotide variant.
Coding change: c.928G>A on transcript NM_000434.4 (MANE Select); coding-DNA position 928, G replaced by A.
Protein change: p.Asp310Asn; replaces aspartic acid 310 with asparagine.
Molecular consequence: missense variant.
Genome position (GRCh38, 1-based): chr6:31,860,135, C>T on the plus strand (G>A on the coding strand, the complement: NEU1 is on the minus strand). VCF-style: chr6-31860135-C-T. GRCh37 (hg19) VCF-style: chr6-31827912-C-T.
Other names: short protein forms D310N.
Identifiers: ClinVar variation 2910571 (VCV002910571.3), dbSNP rs759646819, ClinGen allele CA3724921.